The following is an entry in ClinVar:

NM_001177676.2(GPR68):c.372C>A (p.Ala124=)

Gene: GPR68 (G protein-coupled receptor 68; minus strand). Cytogenetic location: 14q32.11.
Variant type: single nucleotide variant.
Coding change: c.372C>A on transcript NM_001177676.2 (MANE Select); coding-DNA position 372, C replaced by A.
Protein change: p.Ala124=; no amino-acid change (alanine 124 retained).
Molecular consequence: synonymous variant.
Genome position (GRCh38, 1-based): chr14:91,234,679, G>T on the plus strand (C>A on the coding strand, the complement: GPR68 is on the minus strand). VCF-style: chr14-91234679-G-T. GRCh37 (hg19) VCF-style: chr14-91701023-G-T.
Other names: c.372C>A, p.Ala124= (NM_001348437.1, NM_003485.3).
Identifiers: ClinVar variation 3034602 (VCV003034602.3), dbSNP rs141731950, ClinGen allele CA7308371.
Genomic context (GRCh38, chr14:91,234,679, plus strand): 5'-GACCACGCTGACGCCGACGGCCGCCTTCAGGGTCCGGAACTGGTGGAAGCGGAAGGGATG[G>T]GCCACAGCCAGGTAGCGGTCCACGGAGATGCAGCAGAGGAAGCCCACGCTGATGTAGATG-3'
Protein context (NP_001171147.1, residues 114-134): CISVDRYLAV[Ala124=]HPFRFHQFRT

ClinVar aggregate classification (germline): Likely benign. Review status: criteria provided, single submitter (1 of 4 stars). 2 submissions from 2 submitters: Likely benign (1). 1 of the submissions does not count toward it. Last evaluated 2024-11-26.

Conditions:
GPR68-related disorder. Also called: GPR68-related condition.

Allele frequency attached by ClinVar (database versions not stated): ESP Exome Variant Server 0.00123.

Submissions (2):

Blueprint Genetics
Classification: Likely benign. Last evaluated: 2024-11-26. Review status: criteria provided, single submitter. Criteria: ACMG Guidelines, 2015. Collection method: clinical testing. Allele origin: germline.

PreventionGenetics, part of Exact Sciences
Classification: Likely benign for GPR68-related condition. Last evaluated: 2019-03-05. Review status: no assertion criteria provided. Collection method: clinical testing. Allele origin: germline. Not counted in ClinVar's aggregate classification.
Comment: This variant is classified as likely benign based on ACMG/AMP sequence variant interpretation guidelines (Richards et al. 2015 PMID: 25741868, with internal and published modifications).